The following is an entry in ClinVar:

ClinVar aggregate classification (germline): Uncertain significance. Review status: criteria provided, multiple submitters, no conflicts (2 of 4 stars). 4 submissions from 4 submitters: Uncertain significance (3). 1 of the submissions does not count toward it. Last evaluated 2026-07-06.

Conditions:
Hereditary cancer-predisposing syndrome. Also called: Tumor predisposition; Hereditary Cancer Syndrome; Hereditary neoplastic syndrome; Neoplastic Syndromes, Hereditary. Identifiers: Orphanet 140162, MedGen C0027672, MeSH D009386, MONDO:0015356.
Gastrointestinal stromal tumor. Also called: Gastrointestinal stroma tumor; Gastrointestinal stromal tumor, somatic. Identifiers: Orphanet 44890, MedGen C0238198, MeSH D046152, MONDO:0011719, OMIM 606764, HP:0100723.
Pheochromocytoma/paraganglioma syndrome 4. Also called: CAROTID BODY TUMORS AND MULTIPLE EXTRAADRENAL PHEOCHROMOCYTOMAS; PARAGANGLIOMA, FAMILIAL MALIGNANT; PARAGANGLIOMAS, HEREDITARY EXTRAADRENAL; PHEOCHROMOCYTOMA, FAMILIAL EXTRAADRENAL; Paragangliomas 4; SDHB-Related Hereditary Paraganglioma-Pheochromocytoma Syndrome (Paragangliomas 4). Identifiers: Orphanet 29072, MedGen C1861848, MONDO:0007273, OMIM 115310.
Pheochromocytoma. Also called: MAX-Related Hereditary Paraganglioma-Pheochromocytoma Syndrome. Identifiers: Orphanet 29072, MedGen C0031511, MONDO:0008233, OMIM 171300, HP:0002666.
SDHB-related disorder. Also called: SDHB-related condition; SDHB-related disorders. Identifiers: MedGen CN239418.

gnomAD v4.1: 1 of 1,613,918 alleles (0.000062%); highest among the groups gnomAD compares: Non-Finnish European, 0.000085%; no homozygotes.

Submissions (4):

Ambry Genetics
Classification: Uncertain significance for Hereditary cancer-predisposing syndrome. Last evaluated: 2026-07-06. Review status: criteria provided, single submitter. Criteria: Ambry Variant Classification Scheme 2023. Collection method: clinical testing. Allele origin: germline.
Comment: The p.R223G variant (also known as c.667A>G), located in coding exon 7 of the SDHB gene, results from an A to G substitution at nucleotide position 667. The arginine at codon 223 is replaced by glycine, an amino acid with dissimilar properties. This amino acid position is conserved. In addition, this alteration is predicted to be deleterious by in silico analysis. Based on the available evidence, the clinical significance of this variant remains unclear.

GeneDx
Classification: Uncertain significance. Last evaluated: 2025-06-12. Review status: criteria provided, single submitter. Criteria: GeneDx Variant Classification Process June 2021. Collection method: clinical testing. Allele origin: germline. Affected: yes.
Comment: Not observed at significant frequency in large population cohorts (gnomAD); In silico analysis supports that this missense variant has a deleterious effect on protein structure/function; Has not been previously published as pathogenic or benign to our knowledge

Labcorp Genetics (formerly Invitae), Labcorp
Classification: Uncertain significance for Gastrointestinal stromal tumor; Pheochromocytoma/paraganglioma syndrome 4; Pheochromocytoma. Last evaluated: 2025-04-06. Review status: criteria provided, single submitter. Criteria: Invitae Variant Classification Sherloc (09022015). Collection method: clinical testing. Allele origin: germline.
Comment: This sequence change replaces arginine, which is basic and polar, with glycine, which is neutral and non-polar, at codon 223 of the SDHB protein (p.Arg223Gly). This variant is not present in population databases (gnomAD no frequency). This variant has not been reported in the literature in individuals affected with SDHB-related conditions. ClinVar contains an entry for this variant (Variation ID: 3346563). Invitae Evidence Modeling of protein sequence and biophysical properties (such as structural, functional, and spatial information, amino acid conservation, physicochemical variation, residue mobility, and thermodynamic stability) indicates that this missense variant is expected to disrupt SDHB protein function with a positive predictive value of 80%. In summary, the available evidence is currently insufficient to determine the role of this variant in disease. Therefore, it has been classified as a Variant of Uncertain Significance.

PreventionGenetics, part of Exact Sciences
Classification: Uncertain significance for SDHB-related condition. Last evaluated: 2024-07-12. Review status: no assertion criteria provided. Collection method: clinical testing. Allele origin: germline. Not counted in ClinVar's aggregate classification.
Comment: The SDHB c.667A>G variant is predicted to result in the amino acid substitution p.Arg223Gly. To our knowledge, this variant has not been reported in the literature or in a large population database, indicating this variant is rare. This variant is absent in ClinVar. At this time, the clinical significance of this variant is uncertain due to the absence of conclusive functional and genetic evidence.

NM_003000.3(SDHB):c.667A>G (p.Arg223Gly)

Gene: SDHB (succinate dehydrogenase complex iron sulfur subunit B; minus strand). Cytogenetic location: 1p36.13.
Variant type: single nucleotide variant.
Coding change: c.667A>G on transcript NM_003000.3 (MANE Select); coding-DNA position 667, A replaced by G.
Protein change: p.Arg223Gly; replaces arginine 223 with glycine.
Molecular consequence: missense variant.
Genome position (GRCh38, 1-based): chr1:17,022,706, T>C on the plus strand (A>G on the coding strand, the complement: SDHB is on the minus strand). VCF-style: chr1-17022706-T-C. GRCh37 (hg19) VCF-style: chr1-17349201-T-C.
Other names: c.613A>G, p.Arg205Gly (NM_001407361.1); short protein forms R205G, R223G.
Identifiers: ClinVar variation 3346563 (VCV003346563.5).